The following is an entry in ClinVar:

ClinVar aggregate classification (germline): Pathogenic/Likely pathogenic. Review status: criteria provided, multiple submitters, no conflicts (2 of 4 stars). 5 submissions from 5 submitters: Pathogenic (3); Likely pathogenic (2). Last evaluated 2025-12-04.

Conditions:
Joubert syndrome. Also called: CEREBELLOPARENCHYMAL DISORDER IV; JOUBERT-BOLTSHAUSER SYNDROME; Familial aplasia of the vermis. Identifiers: Orphanet 475, MedGen C5979921, MONDO:0018772.
Meckel-Gruber syndrome. Also called: DYSENCEPHALIA SPLANCHNOCYSTICA; GRUBER SYNDROME; Dysencephalia splachnocystica. Identifiers: Orphanet 564, MedGen C0265215, MONDO:0018921.
Joubert syndrome 7 (JBTS7). Identifiers: Orphanet 220497, MedGen C1969053, MONDO:0012694, OMIM 611560.
Meckel syndrome, type 5 (MKS5). Identifiers: Orphanet 564, MedGen C1969052, MONDO:0012695, OMIM 611561.
COACH syndrome 3. Identifiers: MedGen C5436841, MONDO:0030862, OMIM 619113.
ROGRIP1L-related disorder.

Submissions (5):

Natera, Inc.
Classification: Likely pathogenic for Joubert syndrome. Last evaluated: 2025-12-04. Review status: criteria provided, single submitter. Criteria: Natera Variant Classification Schema (03/2026). Collection method: clinical testing. Allele origin: germline.
Comment: The c.1641dupA variant in RPGRIP1L is a frameshift variant predicted to shift the reading frame beginning at codon 548 and leads to a stop codon 9 codons downstream. This variant is expected to result in nonsense mediated decay, truncation, or a dysfunctional protein product. This variant is rare in the general population with a frequency below the threshold expected for the associated phenotype(s). Given the available evidence, this variant is classified as Likely Pathogenic.

Daryl Scott Lab, Baylor College of Medicine
Classification: Pathogenic for ROGRIP1L-related disorder. Last evaluated: 2025-08-25. Review status: criteria provided, single submitter. Criteria: ACMG Guidelines, 2015. Collection method: clinical testing. Allele origin: unknown. Affected: yes. Observed: 1 homozygote.
Comment: PVS1, PM2, PM3

Victorian Clinical Genetics Services, Murdoch Childrens Research Institute
Classification: Pathogenic for Joubert syndrome 7. Last evaluated: 2024-09-22. Review status: criteria provided, single submitter. Criteria: ACMG Guidelines, 2015. Collection method: clinical testing. Allele origin: germline. Inheritance: Autosomal recessive inheritance. Affected: yes.
Comment: Based on the classification scheme VCGS_Germline_v1.3.4, this variant is classified as Pathogenic. Following criteria are met: 0102 - Loss of function is a known mechanism of disease in this gene and is associated with Joubert syndrome 7 (MIM#611560) and Meckel syndrome 5 (MIM#611561). (I) 0106 - This gene is associated with autosomal recessive disease. (I) 0201 - Variant is predicted to cause nonsense-mediated decay (NMD) and loss of protein (premature termination codon is located at least 54 nucleotides upstream of the final exon-exon junction). (SP) 0251 - This variant is heterozygous. (I) 0304 - Variant is present in gnomAD <0.01 for a recessive condition (v2: 6 heterozygotes, 0 homozygotes). (SP) 0701 - Other NMD-predicted variants comparable to the one identified in this case have very strong previous evidence for pathogenicity. Many NMD-predicted variants have previously been reported as pathogenic (ClinVar). (SP) 0803 - This variant has limited previous evidence of pathogenicity in unrelated individuals. It has been reported by a clinical laboratory as pathogenic (ClinVar). This variant has also been identified in trans with a missense variant in a fetus diagnosed with Joubert syndrome with mild MTS by ultrasound (PMID: 36468023). (SP) 0905 - No published segregation evidence has been identified for this variant. (I) 1007 - No published functional evidence has been identified for this variant. (I) Legend: (SP) - Supporting pathogenic, (I) - Information, (SB) - Supporting benign

Fulgent Genetics
Classification: Likely pathogenic for Joubert syndrome 7; Meckel syndrome, type 5; COACH syndrome 3. Last evaluated: 2024-05-20. Review status: criteria provided, single submitter. Criteria: ACMG Guidelines, 2015. Collection method: clinical testing. Allele origin: germline.

Labcorp Genetics (formerly Invitae), Labcorp
Classification: Pathogenic for Joubert syndrome; Meckel-Gruber syndrome. Last evaluated: 2024-01-08. Review status: criteria provided, single submitter. Criteria: Invitae Variant Classification Sherloc (09022015). Collection method: clinical testing. Allele origin: germline.
Comment: This sequence change creates a premature translational stop signal (p.Val548Serfs*9) in the RPGRIP1L gene. It is expected to result in an absent or disrupted protein product. Loss-of-function variants in RPGRIP1L are known to be pathogenic (PMID: 17558409). This variant is present in population databases (rs749464264, gnomAD 0.03%). This variant has not been reported in the literature in individuals affected with RPGRIP1L-related conditions. ClinVar contains an entry for this variant (Variation ID: 2196142). Algorithms developed to predict the effect of sequence changes on RNA splicing suggest that this variant may create or strengthen a splice site. For these reasons, this variant has been classified as Pathogenic.

Literature cited by the submitters: PubMed 36468023 (cited by Victorian Clinical Genetics Services, Murdoch Childrens Research Institute); PubMed 17558409 (cited by Labcorp Genetics (formerly Invitae), Labcorp).

NM_015272.5(RPGRIP1L):c.1641dup (p.Val548fs)

Gene: RPGRIP1L (RPGRIP1 like; minus strand). Cytogenetic location: 16q12.2.
Variant type: Duplication.
Coding change: c.1641dup on transcript NM_015272.5 (MANE Select); coding-DNA position 1641, one base duplicated (A; older notation c.1641dupA).
Protein change: p.Val548fs; shifts the reading frame from valine 548.
Molecular consequence: frameshift variant.
Genome position (GRCh38, 1-based): chr16:53,656,530, T duplicated on the plus strand (A on the coding strand, the reverse complement: RPGRIP1L is on the minus strand); the first of 3 consecutive T bases (chr16:53,656,530-53,656,532); duplicating any one gives the same sequence. VCF-style (leftmost placement, unchanged base first): chr16-53656529-C-CT. GRCh37 (hg19) VCF-style: chr16-53690441-C-CT.
Other names: c.1641dupA (NM_015272.4); c.1641dup, p.Val548fs (NM_001127897.4, NM_001308334.3, NM_001330538.2); short protein forms V548fs.
Identifiers: ClinVar variation 2196142 (VCV002196142.9), dbSNP rs749464264, ClinGen allele CA8057745.